The following is an entry in ClinVar:

NM_000245.4(MET):c.1845T>G (p.Ser615Arg)

Gene: MET (MET proto-oncogene, receptor tyrosine kinase; plus strand). Cytogenetic location: 7q31.2.
Variant type: single nucleotide variant.
Coding change: c.1845T>G on transcript NM_000245.4 (MANE Select); coding-DNA position 1845, T replaced by G.
Protein change: p.Ser615Arg; replaces serine 615 with arginine.
Molecular consequence: missense variant.
Genome position (GRCh38, 1-based): chr7:116,755,498, T>G. VCF-style: chr7-116755498-T-G. GRCh37 (hg19) VCF-style: chr7-116395552-T-G.
Other names: c.1845T>G, p.Ser615Arg (NM_001127500.3, NM_001324401.3); c.555T>G, p.Ser185Arg (NM_001324402.2); short protein forms S185R, S615R.
Identifiers: ClinVar variation 3650316 (VCV003650316.2).

ClinVar aggregate classification (germline): Uncertain significance (1 of 4 stars; one submission).

Conditions:
Renal cell carcinoma. Identifiers: Orphanet 217071, MedGen C0007134, MeSH D002292, MONDO:0005086, HP:0005584.

Submission:

Labcorp Genetics (formerly Invitae), Labcorp
Classification: Uncertain significance for Renal cell carcinoma. Last evaluated: 2024-04-18. Review status: criteria provided, single submitter. Criteria: Invitae Variant Classification Sherloc (09022015). Collection method: clinical testing. Allele origin: germline.
Comment: This sequence change replaces serine, which is neutral and polar, with arginine, which is basic and polar, at codon 615 of the MET protein (p.Ser615Arg). This variant is not present in population databases (gnomAD no frequency). This variant has not been reported in the literature in individuals affected with MET-related conditions. Advanced modeling of protein sequence and biophysical properties (such as structural, functional, and spatial information, amino acid conservation, physicochemical variation, residue mobility, and thermodynamic stability) performed at Invitae indicates that this missense variant is not expected to disrupt MET protein function with a negative predictive value of 80%. In summary, the available evidence is currently insufficient to determine the role of this variant in disease. Therefore, it has been classified as a Variant of Uncertain Significance.